The following is an entry in ClinVar:

ClinVar aggregate classification (germline): Uncertain significance (1 of 4 stars; one submission).

Allele frequency attached by ClinVar (database versions not stated): gnomAD exomes below 0.00001.
gnomAD v4.1: 4 of 1,614,230 alleles (0.00025%); highest among the groups gnomAD compares: Non-Finnish European, 0.00034%; no homozygotes.

Submission:

Labcorp Genetics (formerly Invitae), Labcorp
Classification: Uncertain significance. Last evaluated: 2022-08-05. Review status: criteria provided, single submitter. Criteria: Invitae Variant Classification Sherloc (09022015). Collection method: clinical testing. Allele origin: germline.
Comment: This variant has not been reported in the literature in individuals affected with IFNAR2-related conditions. In summary, the available evidence is currently insufficient to determine the role of this variant in disease. Therefore, it has been classified as a Variant of Uncertain Significance. Algorithms developed to predict the effect of missense changes on protein structure and function output the following: SIFT: "Tolerated"; PolyPhen-2: "Probably Damaging"; Align-GVGD: "Class C0". The serine amino acid residue is found in multiple mammalian species, which suggests that this missense change does not adversely affect protein function. This variant is not present in population databases (gnomAD no frequency). This sequence change replaces asparagine, which is neutral and polar, with serine, which is neutral and polar, at codon 116 of the IFNAR2 protein (p.Asn116Ser).

NM_001289125.3(IFNAR2):c.347A>G (p.Asn116Ser)

Genes: IFNAR2 (interferon alpha and beta receptor subunit 2; plus strand), IFNAR2-IL10RB (IFNAR2-IL10RB readthrough; plus strand). Cytogenetic location: 21q22.11.
Variant type: single nucleotide variant.
Coding change: c.347A>G on transcript NM_001289125.3 (MANE Select); coding-DNA position 347, A replaced by G.
Protein change: p.Asn116Ser; replaces asparagine 116 with serine.
Molecular consequence: missense variant.
Genome position (GRCh38, 1-based): chr21:33,246,843, A>G. VCF-style: chr21-33246843-A-G. GRCh37 (hg19) VCF-style: chr21-34619148-A-G.
Other names: c.347A>G, p.Asn116Ser (NM_000874.5, NM_001289126.2, NM_001289128.2 and 4 more transcripts); short protein forms N116S.
Identifiers: ClinVar variation 1715152 (VCV001715152.6), dbSNP rs755290453, ClinGen allele CA410097594.